The following is an entry in ClinVar:

NM_001393392.1(AKR1C2):c.413T>A (p.Leu138Gln)

Gene: AKR1C2 (aldo-keto reductase family 1 member C2; minus strand). Cytogenetic location: 10p15.1.
Variant type: single nucleotide variant.
Coding change: c.413T>A on transcript NM_001393392.1 (MANE Select); coding-DNA position 413, T replaced by A.
Protein change: p.Leu138Gln; replaces leucine 138 with glutamine.
Molecular consequence: missense variant. On other transcripts: intron variant (1).
Genome position (GRCh38, 1-based): chr10:4,999,234, A>T on the plus strand (T>A on the coding strand, the complement: AKR1C2 is on the minus strand). VCF-style: chr10-4999234-A-T. GRCh37 (hg19) VCF-style: chr10-5041426-A-T.
Other names: c.413T>A, p.Leu138Gln (NM_001354.6, NM_205845.3); c.370-487T>A (NM_001321027.2); c.413T>A (NM_001354.4); short protein forms L138Q.
Identifiers: ClinVar variation 1343416 (VCV001343416.2), dbSNP rs377674622, ClinGen allele CA5390115.
Genomic context (GRCh38, chr10:4,999,234, plus strand): 5'-CCGTTCTCTCACCTCCAAACACTCACCTCCCATGTGGCACAGAGATCCACTGTGTCAAAT[A>T]GTATTTTTCCATTTTCATCTTTTGGGATCACTTCCTCACCTGGCTGAAGTAGAAGCAGTC-3'
Protein context (NP_001380321.1, residues 128-148): VIPKDENGKI[Leu138Gln]FDTVDLCATW

ClinVar aggregate classification (germline): Uncertain significance. Review status: criteria provided, multiple submitters, no conflicts (2 of 4 stars). 2 submissions from 2 submitters: Uncertain significance (2). Last evaluated 2025-10-28.

Allele frequency attached by ClinVar (database versions not stated): ExAC 0.00001; gnomAD 0.00004 and 0.00005; gnomAD exomes 0.00002 and 0.00001; ESP Exome Variant Server 0.00008; 1000 Genomes Project 0.00020; 1000 Genomes Project 30x 0.00016.
gnomAD v4.1: 25 of 1,609,188 alleles (0.0016%); highest among the groups gnomAD compares: Middle Eastern, 0.066%; no homozygotes.

Submissions (2):

Ambry Genetics
Classification: Uncertain significance. Last evaluated: 2025-10-28. Review status: criteria provided, single submitter. Criteria: Ambry Variant Classification Scheme 2023. Collection method: clinical testing. Allele origin: germline.

Seattle Children's Hospital Molecular Genetics Laboratory, Seattle Children's Hospital
Classification: Uncertain significance. Last evaluated: 2020-06-05. Review status: criteria provided, single submitter. Criteria: ACMG Guidelines, 2015. Collection method: clinical testing. Allele origin: unknown. Affected: yes.
Comment: The p.Leu138Gln variant substitutes the leucine for glutamine at position 138 of the protein. This variant is observed at low frequencies in large population cohorts (7 of 264,764 allele; gnomAD v2.1; no homozygotes reported). This variant has not been reported as pathogenic in the literature nor patient databases. This is not an evolutionary conserved residue and in silico tools predict this change is tolerated (DANN, DEOGEN2, EIGEN, FATHMM-MKL, M-CAP, MVP, MutationAssessor, MutationTaster, PrimateAI and REVEL).